The following is an entry in ClinVar:

NM_006941.4(SOX10):c.232C>T (p.Gln78Ter)

Genes: POLR2F (RNA polymerase II, I and III subunit F; plus strand), SOX10 (SRY-box transcription factor 10; minus strand). Cytogenetic location: 22q13.1.
Variant type: single nucleotide variant.
Coding change: c.232C>T on transcript NM_006941.4 (MANE Select); coding-DNA position 232, C replaced by T.
Protein change: p.Gln78Ter; replaces glutamine 78 with a stop codon.
Molecular consequence: nonsense. On other transcripts: intron variant (3).
Genome position (GRCh38, 1-based): chr22:37,983,553, G>A on the plus strand (C>T on the coding strand, the complement: SOX10 is on the minus strand). VCF-style: chr22-37983553-G-A. GRCh37 (hg19) VCF-style: chr22-38379560-G-A.
Other names: c.*38+11243G>A (NM_001363825.1); c.294-2601G>A (NM_001301130.2); c.293+16383G>A (NM_001301131.2); short protein forms Q78*.
Identifiers: ClinVar variation 523884 (VCV000523884.10), dbSNP rs1555939491, ClinGen allele CA411501391.

ClinVar aggregate classification (germline): Pathogenic. Review status: criteria provided, multiple submitters, no conflicts (2 of 4 stars). 4 submissions from 4 submitters: Pathogenic (4). Last evaluated 2026-03-01.

Conditions:
Waardenburg syndrome type 2E (WS2E). Also called: WAARDENBURG SYNDROME, TYPE 2E, WITH OR WITHOUT NEUROLOGIC INVOLVEMENT; WS2E, WITH OR WITHOUT NEUROLOGIC INVOLVEMENT; HYPOGONADOTROPIC HYPOGONADISM WITH ANOSMIA AND DEAFNESS, WITH OR WITHOUT HYPOPIGMENTATION. Identifiers: Orphanet 3440, MedGen C2700405, MONDO:0012698, OMIM 611584.
PCWH syndrome. Also called: WAARDENBURG-SHAH SYNDROME, NEUROLOGIC VARIANT. Identifiers: Orphanet 163746, MedGen C1836727, MONDO:0012198, OMIM 609136.

Submissions (4):

CeGaT Center for Human Genetics Tuebingen
Classification: Pathogenic. Last evaluated: 2026-03-01. Review status: criteria provided, single submitter. Criteria: CeGaT Center For Human Genetics Tuebingen Variant Classification Criteria Version 2. Collection method: clinical testing. Allele origin: germline. Affected: yes. Observed: 1 variant allele.
Comment: SOX10: PVS1, PM2, PS2:Moderate

3billion
Classification: Pathogenic for PCWH syndrome. Last evaluated: 2023-08-14. Review status: criteria provided, single submitter. Criteria: ACMG Guidelines, 2015. Collection method: clinical testing. Allele origin: germline. Affected: yes.
Comment: The variant is not observed in the gnomAD v2.1.1 dataset. Predicted Consequence/Location: Stop-gained (nonsense): predicted to result in a loss or disruption of normal protein function through nonsense-mediated decay (NMD) or protein truncation. Multiple pathogenic variants are reported downstream of the variant. The variant has been previously reported as de novo in a similarly affected individual (PMID: 34142234). The variant has been reported at least twice as pathogenic without evidence for the classification (ClinVar ID: VCV000523884 /PMID: 34142234). Therefore, this variant is classified as Pathogenic according to the recommendation of ACMG/AMP guideline.

Genetic Testing Center for Deafness, Department of Otolaryngology Head & Neck Surgery, Institute of Otolaryngology, Chinese PLA General Hospital
Classification: Pathogenic for Waardenburg syndrome type 2E. Last evaluated: 2019-01-01. Review status: criteria provided, single submitter. Criteria: ACMG Guidelines, 2015. Collection method: clinical testing. Allele origin: de novo. Affected: yes.

GeneDx
Classification: Pathogenic. Last evaluated: 2018-11-28. Review status: criteria provided, single submitter. Criteria: GeneDx Variant Classification (06012015). Collection method: clinical testing. Allele origin: germline. Affected: yes.
Comment: The Q78X variant has not been published as a pathogenic variant, nor has it been reported as a benign variant to our knowledge. The variant is not observed in large population cohorts (Lek et al., 2016). The variant is predicted to cause loss of normal protein function either through protein truncation or nonsense-mediated mRNA decay. In summary, we consider this variant to be pathogenic.

Literature cited by the submitters: PubMed 34142234 (cited by 3billion).